The following is an entry in ClinVar:

ClinVar aggregate classification (germline): Uncertain significance. Review status: criteria provided, multiple submitters, no conflicts (2 of 4 stars). 2 submissions from 2 submitters: Uncertain significance (2). Last evaluated 2024-05-16.

Conditions:
Diabetes mellitus, transient neonatal, 2 (TNDM2). Identifiers: Orphanet 99886, MedGen C1835887, MONDO:0012480, OMIM 610374. Disease mechanism: loss of function.
Hyperinsulinemic hypoglycemia, familial, 1 (HHF1). Also called: HYPERINSULINISM, FAMILIAL, WITH PANCREATIC NESIDIOBLASTOSIS; HYPOGLYCEMIA, HYPERINSULINEMIC, OF INFANCY; NESIDIOBLASTOSIS OF PANCREAS; Persistent hyperinsulinemic hypoglycemia of infancy; Persistent Hyperinsulinemia Hypoglycemia of Infancy. Identifiers: Orphanet 276575, Orphanet 276598, MedGen C2931832, MONDO:0009734, OMIM 256450.
Leucine-induced hypoglycemia (LIH). Also called: LEUCINE-SENSITIVE HYPOGLYCEMIA OF INFANCY. Identifiers: MedGen C0271714, MONDO:0009415, OMIM 240800.
Type 2 diabetes mellitus. Also called: Type II diabetes mellitus. Identifiers: MedGen C0011860, MeSH D003924, MONDO:0005148, OMIM 125853, HP:0005978.
Diabetes mellitus, permanent neonatal 3. Also called: ABCC8-Related Permanent Neonatal Diabetes Mellitus. Identifiers: MedGen C5394303, MONDO:0030088, OMIM 618857.

Allele frequency attached by ClinVar (database versions not stated): gnomAD exomes 0.00002; ExAC 0.00003; gnomAD 0.00003; TOPMed 0.00003.
gnomAD v4.1: 32 of 1,613,640 alleles (0.002%); highest among the groups gnomAD compares: African/African-American, 0.004%; no homozygotes.

Submissions (2):

Fulgent Genetics
Classification: Uncertain significance for Type 2 diabetes mellitus; Leucine-induced hypoglycemia; Hyperinsulinemic hypoglycemia, familial, 1; Diabetes mellitus, transient neonatal, 2; Diabetes mellitus, permanent neonatal 3. Last evaluated: 2024-05-16. Review status: criteria provided, single submitter. Criteria: ACMG Guidelines, 2015. Collection method: clinical testing. Allele origin: germline.

MGZ Medical Genetics Center
Classification: Uncertain significance for Diabetes mellitus, permanent neonatal 3. Last evaluated: 2022-03-03. Review status: criteria provided, single submitter. Criteria: ACMG Guidelines, 2015. Collection method: clinical testing. Allele origin: germline. Affected: yes. Observed: 1 variant allele.
Comment: ACMG criteria applied: PM2_SUP, PP3

NM_000352.6(ABCC8):c.2960C>T (p.Ser987Phe)

Gene: ABCC8 (ATP binding cassette subfamily C member 8; minus strand). Cytogenetic location: 11p15.1.
Variant type: single nucleotide variant.
Coding change: c.2960C>T on transcript NM_000352.6 (MANE Select); coding-DNA position 2960, C replaced by T.
Protein change: p.Ser987Phe; replaces serine 987 with phenylalanine.
Molecular consequence: missense variant. On other transcripts: non-coding transcript variant (1).
Genome position (GRCh38, 1-based): chr11:17,407,090, G>A on the plus strand (C>T on the coding strand, the complement: ABCC8 is on the minus strand). VCF-style: chr11-17407090-G-A. GRCh37 (hg19) VCF-style: chr11-17428637-G-A.
Other names: c.2963C>T, p.Ser988Phe (NM_001287174.3); c.3026C>T, p.Ser1009Phe (NM_001351295.2); c.2960C>T, p.Ser987Phe (NM_001351296.2); c.2957C>T, p.Ser986Phe (NM_001351297.2); short protein forms S1009F, S986F, S987F, S988F.
Identifiers: ClinVar variation 1709187 (VCV001709187.3), dbSNP rs750240747, ClinGen allele CA5902961.
Genomic context (GRCh38, chr11:17,407,090, plus strand): 5'-GCGGAGGACAGGTACTTGGCGCAGGCTCGCCATGGGATCTCAGCACGCTGGTGCAGCATG[G>A]ACGACAGGTTGTCATCCTCCTCGCTCTCAGCTGCCTCCTCTGCAGGCCGCAAGAACCCAC-3'
Protein context (NP_000343.2, residues 977-997): AESEEDDNLS[Ser987Phe]MLHQRAEIPW